The following is an entry in ClinVar:

ClinVar aggregate classification (germline): Uncertain significance (1 of 4 stars; one submission).

Conditions:
Primary ciliary dyskinesia. Also called: Ciliary dyskinesia. Identifiers: Orphanet 244, MedGen C0008780, MONDO:0016575, HP:0012265.

Allele frequency attached by ClinVar (database versions not stated): ExAC 0.00001; ESP Exome Variant Server 0.00008.
gnomAD v4.1: 7 of 1,613,974 alleles (0.00043%); highest among the groups gnomAD compares: African/African-American, 0.008%; no homozygotes.

Submission:

Labcorp Genetics (formerly Invitae), Labcorp
Classification: Uncertain significance for Primary ciliary dyskinesia. Last evaluated: 2022-08-21. Review status: criteria provided, single submitter. Criteria: Invitae Variant Classification Sherloc (09022015). Collection method: clinical testing. Allele origin: germline.
Comment: This sequence change replaces threonine, which is neutral and polar, with lysine, which is basic and polar, at codon 713 of the DNAAF1 protein (p.Thr713Lys). This variant is present in population databases (rs374905502, gnomAD 0.02%). This variant has not been reported in the literature in individuals affected with DNAAF1-related conditions. Algorithms developed to predict the effect of missense changes on protein structure and function are either unavailable or do not agree on the potential impact of this missense change (SIFT: "Tolerated"; PolyPhen-2: "Probably Damaging"; Align-GVGD: "Class C0"). In summary, the available evidence is currently insufficient to determine the role of this variant in disease. Therefore, it has been classified as a Variant of Uncertain Significance.

NM_178452.6(DNAAF1):c.2138C>A (p.Thr713Lys)

Gene: DNAAF1 (dynein axonemal assembly factor 1; plus strand). Cytogenetic location: 16q24.1.
Variant type: single nucleotide variant.
Coding change: c.2138C>A on transcript NM_178452.6 (MANE Select); coding-DNA position 2138, C replaced by A.
Protein change: p.Thr713Lys; replaces threonine 713 with lysine.
Molecular consequence: missense variant.
Genome position (GRCh38, 1-based): chr16:84,177,801, C>A. VCF-style: chr16-84177801-C-A. GRCh37 (hg19) VCF-style: chr16-84211407-C-A.
Other names: c.1430C>A, p.Thr477Lys (NM_001318756.1); short protein forms T713K, T477K.
Identifiers: ClinVar variation 2186107 (VCV002186107.1), dbSNP rs374905502, ClinGen allele CA8203181.